The following is an entry in ClinVar:

NM_001166108.2(PALLD):c.1965-12823G>C

Gene: PALLD (palladin, cytoskeletal associated protein; plus strand). Cytogenetic location: 4q32.3.
Variant type: single nucleotide variant.
Coding change: c.1965-12823G>C on transcript NM_001166108.2 (MANE Select); 12823 bases into the intron before coding-DNA position 1965, G replaced by C.
Molecular consequence: intron variant. On other transcripts: missense variant (1).
Genome position (GRCh38, 1-based): chr4:168,878,099, G>C. VCF-style: chr4-168878099-G-C. GRCh37 (hg19) VCF-style: chr4-169799250-G-C.
Other names: c.208G>C (NM_001166110.1); c.208G>C, p.Ala70Pro (NM_001166110.2); c.1965-12823G>C (NM_016081.4); c.819-12823G>C (NM_001166109.2); c.-157-12823G>C (NM_001367570.1, NM_001367568.1, NM_001367567.1 and 1 more transcripts); short protein forms A70P.
Identifiers: ClinVar variation 2724737 (VCV002724737.4), dbSNP rs907897412, ClinGen allele CA358795553.
Genomic context (GRCh38, chr4:168,878,099, plus strand): 5'-CTCCCGTCGCCCATGTCCCCGACGCCGAGGCAGTTCGGCCGCGCCCCCGTGCCGCCCTTC[G>C]CGCAGCCCTTCGGCGCTGAGCCCGAGGCCCCGTGGGGCTCCTCCTCGCCGTCGCCCCCGC-3'

ClinVar aggregate classification (germline): Uncertain significance. Review status: criteria provided, multiple submitters, no conflicts (2 of 4 stars). 2 submissions from 2 submitters: Uncertain significance (2). Last evaluated 2025-07-07.

Conditions:
Pancreatic adenocarcinoma. Identifiers: MedGen C0281361, MONDO:0006047, HP:0006725.

Submissions (2):

Ambry Genetics
Classification: Uncertain significance. Last evaluated: 2025-07-07. Review status: criteria provided, single submitter. Criteria: Ambry Variant Classification Scheme 2023. Collection method: clinical testing. Allele origin: germline.
Comment: The p.A70P variant (also known as c.208G>C), located in coding exon 1 of the PALLD gene, results from a G to C substitution at nucleotide position 208. The alanine at codon 70 is replaced by proline, an amino acid with highly similar properties. This amino acid position is conserved. In addition, this alteration is predicted to be tolerated by in silico analysis. Based on the available evidence, the clinical significance of this variant remains unclear.

Labcorp Genetics (formerly Invitae), Labcorp
Classification: Uncertain significance for Pancreatic adenocarcinoma. Last evaluated: 2023-04-07. Review status: criteria provided, single submitter. Criteria: Invitae Variant Classification Sherloc (09022015). Collection method: clinical testing. Allele origin: germline.
Comment: This variant has not been reported in the literature in individuals affected with PALLD-related conditions. In summary, the available evidence is currently insufficient to determine the role of this variant in disease. Therefore, it has been classified as a Variant of Uncertain Significance. An algorithm developed to predict the effect of missense changes on protein structure and function (PolyPhen-2) suggests that this variant is likely to be tolerated. This variant is not present in population databases (gnomAD no frequency). This sequence change replaces alanine, which is neutral and non-polar, with proline, which is neutral and non-polar, at codon 70 of the PALLD protein (p.Ala70Pro).